The following is an entry in ClinVar:

NM_003000.2:c.250_251insAlu

Gene: SDHB (succinate dehydrogenase complex iron sulfur subunit B; minus strand). Cytogenetic location: 1p36.13.
Variant type: Insertion.
Identifiers: ClinVar variation 870269 (VCV000870269.1).

ClinVar aggregate classification (germline): Pathogenic (1 of 4 stars; one submission).

Conditions:
Pheochromocytoma/paraganglioma syndrome 4. Also called: CAROTID BODY TUMORS AND MULTIPLE EXTRAADRENAL PHEOCHROMOCYTOMAS; SDHB-Related Hereditary Paraganglioma-Pheochromocytoma Syndrome (Paragangliomas 4); SDHB-Related Hereditary Paraganglioma-Pheochromocytoma Syndrome; PARAGANGLIOMA, FAMILIAL MALIGNANT; PARAGANGLIOMAS, HEREDITARY EXTRAADRENAL; PHEOCHROMOCYTOMA, FAMILIAL EXTRAADRENAL. Identifiers: Orphanet 29072, MedGen C1861848, MONDO:0007273, OMIM 115310.
Gastrointestinal stromal tumor. Also called: Gastrointestinal stromal tumor, somatic; Gastrointestinal stroma tumor. Identifiers: Orphanet 44890, MedGen C0238198, MeSH D046152, MONDO:0011719, OMIM 606764, HP:0100723.
Pheochromocytoma. Also called: MAX-Related Hereditary Paraganglioma-Pheochromocytoma Syndrome. Identifiers: Orphanet 29072, MedGen C0031511, MONDO:0008233, OMIM 171300, HP:0002666.

Submission:

Labcorp Genetics (formerly Invitae), Labcorp
Classification: Pathogenic for Gastrointestinal stromal tumor; Paragangliomas 4; Pheochromocytoma. Last evaluated: 2019-12-15. Review status: criteria provided, single submitter. Criteria: Invitae Variant Classification Sherloc (09022015). Collection method: clinical testing. Allele origin: germline.
Comment: This sequence change inserts a large fragment of DNA, likely a transposable element, in exon 3 of the SDHB gene (c.250_251insAlu), causing a frameshift at codon 84 (p.Asp84fs). The exact size and sequence of the insertion cannot be determined by the current assay. However, the insertion is expected to result in an absent or disrupted protein product. This variant has not been reported in the literature in individuals with SDHB-related conditions. Retrotransposon insertions including LINE1 (L1), Alu, and SVA (SINE-VNTR-Alu) have been reported to be disease-causing through disruption of either a coding region or splice site (PMID: 19763152, 20307669, 22406018) and loss-of-function variants in SDHB are known to be pathogenic (PMID: 19454582, 19802898). For these reasons, this variant has been classified as Pathogenic.

Literature cited by the submitters: PubMed 19802898; PubMed 20307669; PubMed 22406018; PubMed 19454582; PubMed 19763152.